The following is an entry in ClinVar:

NM_001370466.1(NOD2):c.1559T>C (p.Leu520Pro)

Gene: NOD2 (nucleotide binding oligomerization domain containing 2; plus strand). Cytogenetic location: 16q12.1.
Variant type: single nucleotide variant.
Coding change: c.1559T>C on transcript NM_001370466.1 (MANE Select); coding-DNA position 1559, T replaced by C.
Protein change: p.Leu520Pro; replaces leucine 520 with proline.
Molecular consequence: missense variant. On other transcripts: non-coding transcript variant (1).
Genome position (GRCh38, 1-based): chr16:50,711,551, T>C. VCF-style: chr16-50711551-T-C. GRCh37 (hg19) VCF-style: chr16-50745462-T-C.
Other names: c.1559T>C, p.Leu520Pro (NM_001293557.2); c.1640T>C, p.Leu547Pro (NM_022162.3); short protein forms L520P, L547P.
Identifiers: ClinVar variation 1523486 (VCV001523486.7), dbSNP rs762186831, ClinGen allele CA281263214.

ClinVar aggregate classification (germline): Uncertain significance. Review status: criteria provided, multiple submitters, no conflicts (2 of 4 stars). 2 submissions from 2 submitters: Uncertain significance (2). Last evaluated 2024-11-19.

Conditions:
Blau syndrome (BLAUS). Also called: ARTHROCUTANEOUVEAL GRANULOMATOSIS; GRANULOMATOSIS, FAMILIAL JUVENILE SYSTEMIC; GRANULOMATOSIS, FAMILIAL, BLAU TYPE; GRANULOMATOUS INFLAMMATORY ARTHRITIS, DERMATITIS, AND UVEITIS, FAMILIAL; JABS SYNDROME. Identifiers: Orphanet 90340, MedGen C5201146, MONDO:0008523, OMIM 186580.
Regional enteritis. Also called: Enteritis, Granulomatous. Identifiers: MedGen C0678202, MeSH D003424.

Allele frequency attached by ClinVar (database versions not stated): TOPMed below 0.00001.
gnomAD v4.1: 16 of 1,612,534 alleles (0.00099%); highest among the groups gnomAD compares: Admixed American, 0.0017%; no homozygotes.

Submissions (2):

Labcorp Genetics (formerly Invitae), Labcorp
Classification: Uncertain significance for Regional enteritis; Blau syndrome. Last evaluated: 2024-11-19. Review status: criteria provided, single submitter. Criteria: Invitae Variant Classification Sherloc (09022015). Collection method: clinical testing. Allele origin: germline.
Comment: This sequence change replaces leucine, which is neutral and non-polar, with proline, which is neutral and non-polar, at codon 547 of the NOD2 protein (p.Leu547Pro). This variant is not present in population databases (gnomAD no frequency). This variant has not been reported in the literature in individuals affected with NOD2-related conditions. ClinVar contains an entry for this variant (Variation ID: 1523486). Invitae Evidence Modeling of protein sequence and biophysical properties (such as structural, functional, and spatial information, amino acid conservation, physicochemical variation, residue mobility, and thermodynamic stability) has been performed for this missense variant. However, the output from this modeling did not meet the statistical confidence thresholds required to predict the impact of this variant on NOD2 protein function. In summary, the available evidence is currently insufficient to determine the role of this variant in disease. Therefore, it has been classified as a Variant of Uncertain Significance.

Blueprint Genetics
Classification: Uncertain significance. Last evaluated: 2019-09-30. Review status: criteria provided, single submitter. Criteria: ACMG Guidelines, 2015. Collection method: clinical testing. Allele origin: germline.